The following is an entry in ClinVar:

NM_001164508.2(NEB):c.7373_7374delinsAA (p.Ser2458Lys)

Gene: NEB (nebulin; minus strand). Cytogenetic location: 2q23.3.
Variant type: Indel.
Coding change: c.7373_7374delinsAA on transcript NM_001164508.2 (MANE Select); coding-DNA positions 7373 to 7374, GC replaced by AA.
Protein change: p.Ser2458Lys; replaces serine 2458 with lysine.
Molecular consequence: missense variant.
Genome position (GRCh38, 1-based): chr2:151,650,233-151,650,234, GC replaced by TT on the plus strand (GC replaced by AA on the coding strand, the reverse complement: NEB is on the minus strand). VCF-style: chr2-151650233-GC-TT. GRCh37 (hg19) VCF-style: chr2-152506747-GC-TT.
Other names: c.7373_7374delinsAA, p.Ser2458Lys (NM_001164507.2, NM_001271208.2, NM_004543.5); short protein forms S2458K.
Identifiers: ClinVar variation 1941155 (VCV001941155.3), dbSNP rs2552249671, ClinGen allele CA2580064156.
Genomic context (GRCh38, chr2:151,650,233, plus strand): 5'-CACATCACTCCTATTTTTGGCATTTGTCTTTGCCAGAACTATATCCATGGCATCAGGAAT[GC>TT]TGGTGAACTTGTTTCTGTCTGGAGGCTGACGATATTTCTTCTCACTGATGATTTCCGAAG-3'
Protein context (NP_001157980.2, residues 2448-2468): RQPPDRNKFT[Ser2458Lys]IPDAMDIVLA

ClinVar aggregate classification (germline): Uncertain significance (1 of 4 stars; one submission).

Conditions:
Nemaline myopathy 2 (NEM2). Also called: Nemaline myopathy 2, autosomal recessive. Identifiers: MedGen C1850569, MONDO:0009725, OMIM 256030.

Submission:

Labcorp Genetics (formerly Invitae), Labcorp
Classification: Uncertain significance for Nemaline myopathy 2. Last evaluated: 2022-04-29. Review status: criteria provided, single submitter. Criteria: Invitae Variant Classification Sherloc (09022015). Collection method: clinical testing. Allele origin: germline.
Comment: This sequence change replaces serine, which is neutral and polar, with lysine, which is basic and polar, at codon 2458 of the NEB protein (p.Ser2458Lys). Information on the frequency of this variant in the gnomAD database is not available, as this variant may be reported differently in the database. This variant has not been reported in the literature in individuals affected with NEB-related conditions. Experimental studies and prediction algorithms are not available or were not evaluated, and the functional significance of this variant is currently unknown. In summary, the available evidence is currently insufficient to determine the role of this variant in disease. Therefore, it has been classified as a Variant of Uncertain Significance.